The following is an entry in ClinVar:

NM_001109809.5(ZFP57):c.722dup (p.Cys241fs)

Gene: ZFP57 (ZFP57 zinc finger protein; minus strand). Cytogenetic location: 6p22.1.
Variant type: Duplication.
Coding change: c.722dup on transcript NM_001109809.5 (MANE Select); coding-DNA position 722, one base duplicated (G; older notation c.722dupG).
Protein change: p.Cys241fs; shifts the reading frame from cysteine 241.
Molecular consequence: frameshift variant.
Genome position (GRCh38, 1-based): chr6:29,673,389, C duplicated on the plus strand (G on the coding strand, the reverse complement: ZFP57 is on the minus strand). VCF-style (leftmost placement, unchanged base first): chr6-29673388-A-AC. GRCh37 (hg19) VCF-style: chr6-29641165-A-AC.
Other names: c.506dup, p.Cys169fs (NM_001366333.2); short protein forms C169fs, C241fs.
Identifiers: ClinVar variation 2443301 (VCV002443301.2), dbSNP rs2481725889, ClinGen allele CA2580074261.

ClinVar aggregate classification (germline): Likely pathogenic (0 of 4 stars; one submission).

Submission:

Genetic Services Laboratory, University of Chicago
Classification: Likely pathogenic. Last evaluated: 2022-09-21. Review status: no assertion criteria provided. Collection method: clinical testing. Allele origin: germline. Affected: yes.
Comment: DNA sequence analysis of the ZFP57 gene demonstrated a single base pair duplication in exon 5, c.722dup. This sequence change results in an amino acid frameshift and creates a premature stop codon an amino acid downstream of the change, p.Cys241Trpfs*2. This sequence change is predicted to result in an abnormal transcript, which may be degraded, or may lead to the production of a truncated ZFP57 protein with potentially abnormal function. p.Cys241Trpfs*2. While this duplication has not previously been described in the literature, other truncating and frameshift variants in the ZFP57 gene have been described in several individuals with ZFP57-related transient neonatal diabetes mellitus (PMIDs: 18622393, 25755231). The c.722dup sequence change has not been described in population databases such as ExAC and gnomAD. These collective evidences indicate that this sequence change is likely pathogenic, however functional studies have not been performed to prove this conclusively.